The following is an entry in ClinVar:

NM_178859.4(SLC51B):c.367G>A (p.Val123Ile)

Genes: RASL12 (RAS like family 12; minus strand), SLC51B (SLC51 subunit beta; plus strand). Cytogenetic location: 15q22.31.
Variant type: single nucleotide variant.
Coding change: c.367G>A on transcript NM_178859.4 (MANE Select); coding-DNA position 367, G replaced by A.
Protein change: p.Val123Ile; replaces valine 123 with isoleucine.
Molecular consequence: missense variant.
Genome position (GRCh38, 1-based): chr15:65,053,144, G>A. VCF-style: chr15-65053144-G-A. GRCh37 (hg19) VCF-style: chr15-65345482-G-A.
Other names: short protein forms V123I.
Identifiers: ClinVar variation 2745869 (VCV002745869.3), dbSNP rs759426278, ClinGen allele CA7613535.

ClinVar aggregate classification (germline): Uncertain significance (1 of 4 stars; one submission).

Allele frequency attached by ClinVar (database versions not stated): TOPMed below 0.00001; gnomAD 0.00001; ExAC 0.00004.
gnomAD v4.1: 31 of 1,613,936 alleles (0.0019%); highest among the groups gnomAD compares: South Asian, 0.033%; no homozygotes.

Submission:

Labcorp Genetics (formerly Invitae), Labcorp
Classification: Uncertain significance. Last evaluated: 2023-08-01. Review status: criteria provided, single submitter. Criteria: Invitae Variant Classification Sherloc (09022015). Collection method: clinical testing. Allele origin: germline.
Comment: This sequence change replaces valine, which is neutral and non-polar, with isoleucine, which is neutral and non-polar, at codon 123 of the SLC51B protein (p.Val123Ile). This variant is present in population databases (rs759426278, gnomAD 0.02%). This variant has not been reported in the literature in individuals affected with SLC51B-related conditions. Algorithms developed to predict the effect of missense changes on protein structure and function output the following: SIFT: "Not Available"; PolyPhen-2: "Benign"; Align-GVGD: "Not Available". The isoleucine amino acid residue is found in multiple mammalian species, which suggests that this missense change does not adversely affect protein function. In summary, the available evidence is currently insufficient to determine the role of this variant in disease. Therefore, it has been classified as a Variant of Uncertain Significance.